The following is an entry in ClinVar:

ClinVar aggregate classification (germline): Likely pathogenic (1 of 4 stars; one submission).

Conditions:
BAZ2B-related disorder. Also called: BAZ2B-related condition.

Submission:

Greenwood Genetic Center Diagnostic Laboratories, Greenwood Genetic Center
Classification: Likely pathogenic for BAZ2B-related disorder. Last evaluated: 2025-04-03. Review status: criteria provided, single submitter. Criteria: ACMG Guidelines, 2015. Collection method: clinical testing. Allele origin: germline. Affected: yes.
Comment: PVS1, PM2

NM_013450.4(BAZ2B):c.5560G>T (p.Glu1854Ter)

Gene: BAZ2B (bromodomain adjacent to zinc finger domain 2B; minus strand). Cytogenetic location: 2q24.2.
Variant type: single nucleotide variant.
Coding change: c.5560G>T on transcript NM_013450.4 (MANE Select); coding-DNA position 5560, G replaced by T.
Protein change: p.Glu1854Ter; replaces glutamic acid 1854 with a stop codon.
Molecular consequence: nonsense.
Genome position (GRCh38, 1-based): chr2:159,337,667, C>A on the plus strand (G>T on the coding strand, the complement: BAZ2B is on the minus strand). VCF-style: chr2-159337667-C-A. GRCh37 (hg19) VCF-style: chr2-160194178-C-A.
Other names: c.5452G>T, p.Glu1818Ter (NM_001289975.1); c.5398G>T, p.Glu1800Ter (NM_001329857.2); c.5485G>T, p.Glu1829Ter (NM_001329858.2); short protein forms E1800*, E1818*, E1829*, E1854*.
Identifiers: ClinVar variation 4538187 (VCV004538187.1).